The following is an entry in ClinVar:

ClinVar aggregate classification (germline): Uncertain significance. Review status: criteria provided, multiple submitters, no conflicts (2 of 4 stars). 2 submissions from 2 submitters: Uncertain significance (2). Last evaluated 2024-05-13.

Conditions:
Inborn genetic diseases. Identifiers: MedGen C0950123, MeSH D030342.
Autosomal recessive distal spinal muscular atrophy 1. Also called: SEVERE INFANTILE AXONAL NEUROPATHY WITH RESPIRATORY FAILURE; SPINAL MUSCULAR ATROPHY, DIAPHRAGMATIC; Spinal muscular atrophy with respiratory distress 1; HMN VI; NEURONOPATHY, SEVERE INFANTILE AXONAL, WITH RESPIRATORY FAILURE; NEURONOPATHY, DISTAL HEREDITARY MOTOR, HARDING TYPE VI. Identifiers: Orphanet 98920, MedGen C1858517, MONDO:0011436, OMIM 604320.
Charcot-Marie-Tooth disease axonal type 2S. Also called: CHARCOT-MARIE-TOOTH DISEASE, AXONAL, AUTOSOMAL RECESSIVE, TYPE 2S; CHARCOT-MARIE-TOOTH NEUROPATHY, TYPE 2S. Identifiers: Orphanet 443073, MedGen C4015349, MONDO:0014511, OMIM 616155.

Allele frequency attached by ClinVar (database versions not stated): TOPMed below 0.00001; gnomAD exomes 0.00001.
gnomAD v4.1: 21 of 1,614,202 alleles (0.0013%); highest among the groups gnomAD compares: Non-Finnish European, 0.0018%; no homozygotes.

Submissions (2):

Ambry Genetics
Classification: Uncertain significance for Inborn genetic diseases. Last evaluated: 2024-05-13. Review status: criteria provided, single submitter. Criteria: Ambry Variant Classification Scheme 2023. Collection method: clinical testing. Allele origin: germline.

Labcorp Genetics (formerly Invitae), Labcorp
Classification: Uncertain significance for Autosomal recessive distal spinal muscular atrophy 1; Charcot-Marie-Tooth disease axonal type 2S. Last evaluated: 2020-05-12. Review status: criteria provided, single submitter. Criteria: Invitae Variant Classification Sherloc (09022015). Collection method: clinical testing. Allele origin: germline.
Comment: In summary, the available evidence is currently insufficient to determine the role of this variant in disease. Therefore, it has been classified as a Variant of Uncertain Significance. Algorithms developed to predict the effect of missense changes on protein structure and function are either unavailable or do not agree on the potential impact of this missense change (SIFT: "Tolerated"; PolyPhen-2: "Probably Damaging"; Align-GVGD: "Class C0"). This variant has not been reported in the literature in individuals with IGHMBP2-related conditions. This variant is not present in population databases (ExAC no frequency). This sequence change replaces threonine with alanine at codon 222 of the IGHMBP2 protein (p.Thr222Ala). The threonine residue is moderately conserved and there is a small physicochemical difference between threonine and alanine.

NM_002180.3(IGHMBP2):c.664A>G (p.Thr222Ala)

Gene: IGHMBP2 (immunoglobulin mu DNA binding protein 2; plus strand). Cytogenetic location: 11q13.3.
Variant type: single nucleotide variant.
Coding change: c.664A>G on transcript NM_002180.3 (MANE Select); coding-DNA position 664, A replaced by G.
Protein change: p.Thr222Ala; replaces threonine 222 with alanine.
Molecular consequence: missense variant.
Genome position (GRCh38, 1-based): chr11:68,911,556, A>G. VCF-style: chr11-68911556-A-G. GRCh37 (hg19) VCF-style: chr11-68679024-A-G.
Other names: short protein forms T222A.
Identifiers: ClinVar variation 842084 (VCV000842084.12), dbSNP rs1858437723, ClinGen allele CA381643945.